The following is an entry in ClinVar:

NM_001031679.3(MSRB3):c.-95C>T

Gene: MSRB3 (methionine sulfoxide reductase B3; plus strand). Cytogenetic location: 12q14.3.
Variant type: single nucleotide variant.
Coding change: c.-95C>T on transcript NM_001031679.3 (MANE Select); 95 bases upstream of the start codon, C replaced by T.
Molecular consequence: 5 prime UTR variant. On other transcripts: synonymous variant (1).
Genome position (GRCh38, 1-based): chr12:65,278,822, C>T. VCF-style: chr12-65278822-C-T. GRCh37 (hg19) VCF-style: chr12-65672602-C-T.
Other names: c.-259C>T (NM_001193460.2); c.54C>T, p.Cys18= (NM_198080.4).
Identifiers: ClinVar variation 227548 (VCV000227548.21), dbSNP rs149757878, ClinGen allele CA6671338.
Genomic context (GRCh38, chr12:65,278,822, plus strand): 5'-CCTTTCCATGAGCCCGCGGCGGACCCTCCCGCGCCCCCTCTCGCTCTGCCTCTCCCTCTG[C>T]CTCTGCCTCTGCCTGGCCGCGGCTCTGGGAAGTGCGCAGTCCGGTAAGTTCGGGCTCCCC-3'

ClinVar aggregate classification (germline): Likely benign. Review status: criteria provided, multiple submitters, no conflicts (2 of 4 stars). 7 submissions from 7 submitters: Likely benign (7). Last evaluated 2026-02-01.

Conditions:
MSRB3-related disorder. Also called: MSRB3-related condition.

Allele frequency attached by ClinVar (database versions not stated): ESP Exome Variant Server 0.00016; ExAC 0.00023; 1000 Genomes Project 0.00040; gnomAD 0.00042 and 0.00043; 1000 Genomes Project 30x 0.00047; gnomAD exomes 0.00048 and 0.00049; TOPMed 0.00059.
gnomAD v4.1: 748 of 1,568,746 alleles (0.048%); highest among the groups gnomAD compares: Admixed American, 0.14%; 1 homozygote.

Submissions (7):

CeGaT Center for Human Genetics Tuebingen
Classification: Likely benign. Last evaluated: 2026-02-01. Review status: criteria provided, single submitter. Criteria: CeGaT Center For Human Genetics Tuebingen Variant Classification Criteria Version 2. Collection method: clinical testing. Allele origin: germline. Affected: yes. Observed: 1 variant allele.
Comment: MSRB3: BP4, BP7

PreventionGenetics, part of Exact Sciences
Classification: Likely benign for MSRB3-related condition. Last evaluated: 2025-10-16. Review status: criteria provided, single submitter. Criteria: ACMG Guidelines, 2015. Collection method: clinical testing. Allele origin: germline.
Comment: This variant is classified as likely benign based on ACMG/AMP sequence variant interpretation guidelines (Richards et al. 2015 PMID: 25741868, with internal and published modifications).

Labcorp Genetics (formerly Invitae), Labcorp
Classification: Likely benign. Last evaluated: 2025-08-28. Review status: criteria provided, single submitter. Criteria: Invitae Variant Classification Sherloc (09022015). Collection method: clinical testing. Allele origin: germline.

Blueprint Genetics
Classification: Likely benign. Last evaluated: 2024-11-13. Review status: criteria provided, single submitter. Criteria: ACMG Guidelines, 2015. Collection method: clinical testing. Allele origin: germline.

GeneDx
Classification: Likely benign. Last evaluated: 2020-05-19. Review status: criteria provided, single submitter. Criteria: GeneDx Variant Classification Process June 2021. Collection method: clinical testing. Allele origin: germline. Affected: yes.

Laboratory for Molecular Medicine, Mass General Brigham Personalized Medicine
Classification: Likely benign. Last evaluated: 2016-01-07. Review status: criteria provided, single submitter. Criteria: LMM Criteria. Collection method: clinical testing. Allele origin: germline. Observed: 4 variant alleles.
Comment: p.Cys18Cys in exon 01A of MSRB3: This variant is not expected to have clinical s ignificance because it does not alter an amino acid residue and is not located w ithin the splice consensus sequence. This variant has been identified in 4/12432 European chromosomes and 2/996 Latino chromosomes by the Exome Aggregation Cons ortium (ExAC; dbSNP rs149757878).

Breakthrough Genomics
Classification: Likely benign. Review status: criteria provided, single submitter. Criteria: ACMG Guidelines, 2015. Collection method: not provided. Allele origin: germline. Inheritance: Autosomal recessive inheritance. Affected: yes.